The following is an entry in ClinVar:

ClinVar aggregate classification (germline): Uncertain significance (1 of 4 stars; one submission).

gnomAD v4.1: 45 of 1,613,518 alleles (0.0028%); highest among the groups gnomAD compares: Non-Finnish European, 0.0036%; no homozygotes.

Submission:

Labcorp Genetics (formerly Invitae), Labcorp
Classification: Uncertain significance. Last evaluated: 2025-12-14. Review status: criteria provided, single submitter. Criteria: Invitae Variant Classification Sherloc (09022015). Collection method: clinical testing. Allele origin: germline.
Comment: This sequence change replaces threonine, which is neutral and polar, with isoleucine, which is neutral and non-polar, at codon 85 of the SPTA1 protein (p.Thr85Ile). This variant is present in population databases (no rsID available, gnomAD 0.002%). This variant has not been reported in the literature in individuals affected with SPTA1-related conditions. Invitae Evidence Modeling of protein sequence and biophysical properties (such as structural, functional, and spatial information, amino acid conservation, physicochemical variation, residue mobility, and thermodynamic stability) indicates that this missense variant is not expected to disrupt SPTA1 protein function with a negative predictive value of 80%. In summary, the available evidence is currently insufficient to determine the role of this variant in disease. Therefore, it has been classified as a Variant of Uncertain Significance.

NM_003126.4(SPTA1):c.254C>T (p.Thr85Ile)

Gene: SPTA1 (spectrin alpha, erythrocytic 1; minus strand). Cytogenetic location: 1q23.1.
Variant type: single nucleotide variant.
Coding change: c.254C>T on transcript NM_003126.4 (MANE Select); coding-DNA position 254, C replaced by T.
Protein change: p.Thr85Ile; replaces threonine 85 with isoleucine.
Molecular consequence: missense variant.
Genome position (GRCh38, 1-based): chr1:158,685,118, G>A on the plus strand (C>T on the coding strand, the complement: SPTA1 is on the minus strand). VCF-style: chr1-158685118-G-A. GRCh37 (hg19) VCF-style: chr1-158654908-G-A.
Other names: short protein forms T85I.
Identifiers: ClinVar variation 4698634 (VCV004698634.1).